The following is an entry in ClinVar:

ClinVar aggregate classification (germline): Benign. Review status: criteria provided, multiple submitters, no conflicts (2 of 4 stars). 8 submissions from 8 submitters: Benign (7). 1 of the submissions does not count toward it. Last evaluated 2026-01-19.

Conditions:
Wilson disease (WND). Also called: Wilson's disease. Identifiers: Orphanet 905, MedGen C0019202, MONDO:0010200, OMIM 277900. Disease mechanism: loss of function.

Allele frequency attached by ClinVar (database versions not stated): 1000 Genomes Project 30x 0.30497; 1000 Genomes Project 0.30691; TOPMed 0.34267; gnomAD 0.35419 and 0.35621; ESP Exome Variant Server 0.35800; gnomAD exomes 0.40489.
gnomAD v4.1: 711,466 of 1,612,734 alleles (44%); highest among the groups gnomAD compares: Non-Finnish European, 48%; 163,322 homozygotes.

Submissions (8):

Labcorp Genetics (formerly Invitae), Labcorp
Classification: Benign for Wilson disease. Last evaluated: 2026-01-19. Review status: criteria provided, single submitter. Criteria: Invitae Variant Classification Sherloc (09022015). Collection method: clinical testing. Allele origin: germline.

Mayo Clinic Laboratories, Mayo Clinic
Classification: Benign. Last evaluated: 2023-03-01. Review status: criteria provided, single submitter. Criteria: ACMG Guidelines, 2015. Collection method: clinical testing. Allele origin: germline. Observed: 466 variant alleles.
Comment: BA1

Genome-Nilou Lab
Classification: Benign for Wilson disease. Last evaluated: 2021-07-01. Review status: criteria provided, single submitter. Criteria: ACMG Guidelines, 2015. Collection method: clinical testing. Allele origin: germline. Affected: no.

ARUP Laboratories, Molecular Genetics and Genomics, ARUP Laboratories
Classification: Benign for Wilson disease. Last evaluated: 2020-04-20. Review status: criteria provided, single submitter. Criteria: ARUP Molecular Germline Variant Investigation Process. Collection method: clinical testing. Allele origin: germline.

GeneDx
Classification: Benign. Last evaluated: 2018-06-14. Review status: criteria provided, single submitter. Criteria: GeneDx Variant Classification (06012015). Collection method: clinical testing. Allele origin: germline. Affected: yes.
Comment: This variant is considered likely benign or benign based on one or more of the following criteria: it is a conservative change, it occurs at a poorly conserved position in the protein, it is predicted to be benign by multiple in silico algorithms, and/or has population frequency not consistent with disease.

Breakthrough Genomics
Classification: Benign. Review status: criteria provided, single submitter. Criteria: ACMG Guidelines, 2015. Collection method: not provided. Allele origin: germline. Inheritance: Autosomal recessive inheritance. Affected: yes.

PreventionGenetics, part of Exact Sciences
Classification: Benign. Review status: criteria provided, single submitter. Criteria: ACMG Guidelines, 2015. Collection method: clinical testing. Allele origin: germline.

Natera, Inc.
Classification: Benign for Wilson disease. Last evaluated: 2020-09-16. Review status: no assertion criteria provided. Collection method: clinical testing. Allele origin: germline. Not counted in ClinVar's aggregate classification.

Literature cited by the submitters: PubMed 34470610 (cited by Mayo Clinic Laboratories, Mayo Clinic).

NM_000053.4(ATP7B):c.2448-25G>A

Gene: ATP7B (ATPase copper transporting beta; minus strand). Cytogenetic location: 13q14.3.
Variant type: single nucleotide variant.
Coding change: c.2448-25G>A on transcript NM_000053.4 (MANE Select); 25 bases into the intron before coding-DNA position 2448, G replaced by A.
Molecular consequence: intron variant.
Genome position (GRCh38, 1-based): chr13:51,950,424, C>T on the plus strand (G>A on the coding strand, the complement: ATP7B is on the minus strand). VCF-style: chr13-51950424-C-T. GRCh37 (hg19) VCF-style: chr13-52524560-C-T.
Other names: p.?; c.2115-25G>A (NM_001243182.2); c.1962-25G>A (NM_001005918.3); c.2196-25G>A (NM_001330579.2); c.2214-25G>A (NM_001330578.2).
Identifiers: ClinVar variation 254764 (VCV000254764.25), dbSNP rs9526811, ClinGen allele CA6989008.